The following is an entry in ClinVar:

ClinVar aggregate classification (germline): Uncertain significance. Review status: criteria provided, multiple submitters, no conflicts (2 of 4 stars). 2 submissions from 2 submitters: Uncertain significance (2). Last evaluated 2025-04-21.

Conditions:
Congenital contractural arachnodactyly (CCA). Also called: BEALS SYNDROME; Arthrogryposis, distal, type 9; Beals-Hecht syndrome. Identifiers: Orphanet 115, MedGen C0220668, MONDO:0007363, OMIM 121050.

gnomAD v4.1: 2 of 1,577,712 alleles (0.00013%); highest among the groups gnomAD compares: South Asian, 0.0022%; no homozygotes.

Submissions (2):

Labcorp Genetics (formerly Invitae), Labcorp
Classification: Uncertain significance for Congenital contractural arachnodactyly. Last evaluated: 2025-04-21. Review status: criteria provided, single submitter. Criteria: Invitae Variant Classification Sherloc (09022015). Collection method: clinical testing. Allele origin: germline.
Comment: This sequence change replaces histidine, which is basic and polar, with aspartic acid, which is acidic and polar, at codon 1967 of the FBN2 protein (p.His1967Asp). This variant is not present in population databases (gnomAD no frequency). This variant has not been reported in the literature in individuals affected with FBN2-related conditions. ClinVar contains an entry for this variant (Variation ID: 2770806). Invitae Evidence Modeling of protein sequence and biophysical properties (such as structural, functional, and spatial information, amino acid conservation, physicochemical variation, residue mobility, and thermodynamic stability) indicates that this missense variant is not expected to disrupt FBN2 protein function with a negative predictive value of 80%. In summary, the available evidence is currently insufficient to determine the role of this variant in disease. Therefore, it has been classified as a Variant of Uncertain Significance.

GeneDx
Classification: Uncertain significance. Last evaluated: 2023-05-30. Review status: criteria provided, single submitter. Criteria: GeneDx Variant Classification Process June 2021. Collection method: clinical testing. Allele origin: germline. Affected: yes.
Comment: Not observed at significant frequency in large population cohorts (gnomAD); Although located in a calcium-binding EGF-like domain of the FBN2 gene, it does not substitute or introduce a cysteine residue (Callewaert et al., 2009; Frederic et al., 2009); In silico analysis supports that this missense variant has a deleterious effect on protein structure/function; Has not been previously published as pathogenic or benign to our knowledge

NM_001999.4(FBN2):c.5899C>G (p.His1967Asp)

Gene: FBN2 (fibrillin 2; minus strand). Cytogenetic location: 5q23.3.
Variant type: single nucleotide variant.
Coding change: c.5899C>G on transcript NM_001999.4 (MANE Select); coding-DNA position 5899, C replaced by G.
Protein change: p.His1967Asp; replaces histidine 1967 with aspartic acid.
Molecular consequence: missense variant.
Genome position (GRCh38, 1-based): chr5:128,302,991, G>C on the plus strand (C>G on the coding strand, the complement: FBN2 is on the minus strand). VCF-style: chr5-128302991-G-C. GRCh37 (hg19) VCF-style: chr5-127638683-G-C.
Other names: c.5899C>G (NM_001999.3); short protein forms H1967D.
Identifiers: ClinVar variation 2770806 (VCV002770806.4), dbSNP rs369652475, ClinGen allele CA360738839.